The following is an entry in ClinVar:

ClinVar aggregate classification (germline): Uncertain significance (1 of 4 stars; one submission).

Submission:

GeneDx
Classification: Uncertain significance. Last evaluated: 2024-12-11. Review status: criteria provided, single submitter. Criteria: GeneDx Variant Classification Process June 2021. Collection method: clinical testing. Allele origin: germline. Affected: yes.
Comment: Not observed at significant frequency in large population cohorts (gnomAD); Nonsense variant predicted to result in protein truncation or nonsense mediated decay in a gene or region of a gene for which loss of function is not a well-established mechanism of disease; Has not been previously published as pathogenic or benign to our knowledge

NM_001393504.1(MAST3):c.1539T>A (p.Tyr513Ter)

Gene: MAST3 (microtubule associated serine/threonine kinase 3; plus strand). Cytogenetic location: 19p13.11.
Variant type: single nucleotide variant.
Coding change: c.1539T>A on transcript NM_001393504.1 (MANE Select); coding-DNA position 1539, T replaced by A.
Protein change: p.Tyr513Ter; replaces tyrosine 513 with a stop codon.
Molecular consequence: nonsense.
Genome position (GRCh38, 1-based): chr19:18,132,015, T>A. VCF-style: chr19-18132015-T-A. GRCh37 (hg19) VCF-style: chr19-18242825-T-A.
Other names: c.1563T>A, p.Tyr521Ter (NM_001393501.1); c.1542T>A, p.Tyr514Ter (NM_001393502.1); c.1539T>A, p.Tyr513Ter (NM_001393503.1); c.1536T>A, p.Tyr512Ter (NM_001393505.1); c.1491T>A, p.Tyr497Ter (NM_001393506.1, NM_001393513.1); c.1518T>A, p.Tyr506Ter (NM_001393507.1); c.1473T>A, p.Tyr491Ter (NM_001393508.1, NM_001393516.1); c.1470T>A, p.Tyr490Ter (NM_001393509.1, NM_001393510.1, NM_001393512.1 and 2 more transcripts); and 4 more; short protein forms Y475*, Y483*, Y484*, Y489*, Y490*, Y491*, Y497*, Y506*.
Identifiers: ClinVar variation 3903403 (VCV003903403.1).